The following is an entry in ClinVar:

ClinVar aggregate classification (germline): Likely pathogenic (1 of 4 stars; one submission).

Conditions:
Landau-Kleffner syndrome (FESD). Also called: EPILEPSY, FOCAL, WITH SPEECH DISORDER AND WITH OR WITHOUT MENTAL RETARDATION; APHASIA, ACQUIRED, WITH EPILEPSY. Identifiers: Orphanet 1945, Orphanet 725, Orphanet 98818, MedGen C0282512, MONDO:0009509, OMIM 245570.

Submission:

Labcorp Genetics (formerly Invitae), Labcorp
Classification: Likely pathogenic for Landau-Kleffner syndrome. Last evaluated: 2024-04-05. Review status: criteria provided, single submitter. Criteria: Invitae Variant Classification Sherloc (09022015). Collection method: clinical testing. Allele origin: germline.
Comment: This sequence change replaces asparagine, which is neutral and polar, with lysine, which is basic and polar, at codon 614 of the GRIN2A protein (p.Asn614Lys). This variant is not present in population databases (gnomAD no frequency). This variant has not been reported in the literature in individuals affected with GRIN2A-related conditions. Advanced modeling of protein sequence and biophysical properties (such as structural, functional, and spatial information, amino acid conservation, physicochemical variation, residue mobility, and thermodynamic stability) performed at Invitae indicates that this missense variant is expected to disrupt GRIN2A protein function with a positive predictive value of 95%. This variant disrupts the p.Asn614 amino acid residue in GRIN2A. Other variant(s) that disrupt this residue have been determined to be pathogenic (PMID: 25356970, 28109652, 30544257). This suggests that this residue is clinically significant, and that variants that disrupt this residue are likely to be disease-causing. In summary, the currently available evidence indicates that the variant is pathogenic, but additional data are needed to prove that conclusively. Therefore, this variant has been classified as Likely Pathogenic.

Literature cited by the submitters: PubMed 25356970; PubMed 28109652; PubMed 30544257.

NM_001134407.3(GRIN2A):c.1842T>G (p.Asn614Lys)

Gene: GRIN2A (glutamate ionotropic receptor NMDA type subunit 2A; minus strand). Cytogenetic location: 16p13.2.
Variant type: single nucleotide variant.
Coding change: c.1842T>G on transcript NM_001134407.3 (MANE Select); coding-DNA position 1842, T replaced by G.
Protein change: p.Asn614Lys; replaces asparagine 614 with lysine.
Molecular consequence: missense variant.
Genome position (GRCh38, 1-based): chr16:9,829,588, A>C on the plus strand (T>G on the coding strand, the complement: GRIN2A is on the minus strand). VCF-style: chr16-9829588-A-C. GRCh37 (hg19) VCF-style: chr16-9923445-A-C.
Other names: c.1842T>G, p.Asn614Lys (NM_000833.5, NM_001134408.2); short protein forms N614K.
Identifiers: ClinVar variation 3648870 (VCV003648870.2).